The following is an entry in ClinVar:

NM_001134407.3(GRIN2A):c.1305A>T (p.Pro435=)

Gene: GRIN2A (glutamate ionotropic receptor NMDA type subunit 2A; minus strand). Cytogenetic location: 16p13.2.
Variant type: single nucleotide variant.
Coding change: c.1305A>T on transcript NM_001134407.3 (MANE Select); coding-DNA position 1305, A replaced by T.
Protein change: p.Pro435=; no amino-acid change (proline 435 retained).
Molecular consequence: synonymous variant.
Genome position (GRCh38, 1-based): chr16:9,849,779, T>A on the plus strand (A>T on the coding strand, the complement: GRIN2A is on the minus strand). VCF-style: chr16-9849779-T-A. GRCh37 (hg19) VCF-style: chr16-9943636-T-A.
Other names: c.1305A>T, p.Pro435= (NM_000833.5, NM_001134408.2).
Identifiers: ClinVar variation 507378 (VCV000507378.1), dbSNP rs1555496114, ClinGen allele CA493686526.
Genomic context (GRCh38, chr16:9,849,779, plus strand): 5'-TTGGGCACGTTCAGGTGACAGCATTCCTGCCACTCACTTGATTTTGACGAACTTCCGACA[T>A]GGCACGGTGTTCCTCACACACGTCTCGGTCAGGGGGTCTATGTCTTCCACGATGACGAAT-3'
Protein context (NP_001127879.1, residues 425-445): LTETCVRNTV[Pro435=]CRKFVKINNS

ClinVar aggregate classification (germline): Likely benign (1 of 4 stars; one submission).

Submission:

GeneDx
Classification: Likely benign. Last evaluated: 2017-02-13. Review status: criteria provided, single submitter. Criteria: GeneDx Variant Classification (06012015). Collection method: clinical testing. Allele origin: germline. Affected: yes.
Comment: This variant is considered likely benign or benign based on one or more of the following criteria: it is a conservative change, it occurs at a poorly conserved position in the protein, it is predicted to be benign by multiple in silico algorithms, and/or has population frequency not consistent with disease.